The following is an entry in ClinVar:

ClinVar aggregate classification (germline): Benign/Likely benign. Review status: criteria provided, multiple submitters, no conflicts (2 of 4 stars). 4 submissions from 4 submitters: Benign (1); Likely benign (1). 2 of the submissions do not count toward it. Last evaluated 2021-11-09.

Conditions:
Congenital heart disease (CHD). Identifiers: MedGen C0152021, MONDO:0005453. Disease mechanism: unknown.

Allele frequency attached by ClinVar (database versions not stated): 1000 Genomes Project 0.01657; TOPMed 0.01197; 1000 Genomes Project 30x 0.01843.
gnomAD v4.1: 4,958 of 1,375,922 alleles (0.36%); highest among the groups gnomAD compares: African/African-American, 3.7%; 83 homozygotes.

Submissions (4):

Laboratory for Molecular Medicine, Mass General Brigham Personalized Medicine
Classification: Benign. Last evaluated: 2021-11-09. Review status: criteria provided, single submitter. Criteria: ACMG Guidelines, 2015. Collection method: clinical testing. Allele origin: germline.
Comment: The c.1146+129C>T variant in GATA4 is classified as benign because it has been identified in 3.38% (294/8710) of African/African-American chromosomes by gnomAD. ACMG/AMP codes applied: BA1

GeneDx
Classification: Likely benign. Last evaluated: 2018-09-11. Review status: criteria provided, single submitter. Criteria: GeneDx Variant Classification Process June 2021. Collection method: clinical testing. Allele origin: germline. Affected: yes.

Reproductive Health Research and Development, BGI Genomics
Classification: Benign for Congenital heart disease. Last evaluated: 2020-01-06. Review status: no assertion criteria provided. Collection method: curation. Allele origin: germline. Not counted in ClinVar's aggregate classification.
Comment: NG_008177.2(NM_002052.4):c.1146+129C>T in the GATA4 gene has an allele frequency of 0.034 in African subpopulation in the gnomAD database. 8 homozygous occurrences are observed in the gnomAD database. Benign computational verdict because benign prediction from DANN. Taken together, we interprete this variant as Benign/Likely benign variant. ACMG/AMP criteria applied: BS1, BS2, BP4.

Central Research Laboratory, Sri Devaraj Urs Academy of Higher Education and Research
Classification: Pathogenic for Congenital heart disease. Last evaluated: 2017-01-07. Review status: no assertion criteria provided. Collection method: clinical testing. Allele origin: unknown. Affected: yes. Observed: 3 variant alleles. Not counted in ClinVar's aggregate classification.
Comment: This variant, NG_008177.2:g.85294C>T, leads to the disruption of SRp40 ISE motif and formation of ISS motif 2.

Literature cited by the submitters: PubMed 27426723 (cited by Central Research Laboratory, Sri Devaraj Urs Academy of Higher Education and Research).

NM_001308093.3(GATA4):c.1149+129C>T

Gene: GATA4 (GATA binding protein 4). Cytogenetic location: 8p23.1.
Variant type: single nucleotide variant.
Coding change: c.1149+129C>T on transcript NM_001308093.3 (MANE Select); 129 bases into the intron after coding-DNA position 1149, C replaced by T.
Molecular consequence: intron variant.
Genome position (GRCh38, 1-based): chr8:11,757,212, C>T. VCF-style: chr8-11757212-C-T. GRCh37 (hg19) VCF-style: chr8-11614721-C-T.
Other names: c.528+129C>T (NM_001308094.2, NM_001374273.1); c.1146+129C>T (NM_002052.5); c.402+129C>T (NM_001374274.1).
Identifiers: ClinVar variation 433022 (VCV000433022.7), dbSNP rs116052854, ClinGen allele CA172120560.